The following is an entry in ClinVar:

NM_000540.3(RYR1):c.4507G>A (p.Gly1503Arg)

Gene: RYR1 (ryanodine receptor 1; plus strand). Cytogenetic location: 19q13.2.
Variant type: single nucleotide variant.
Coding change: c.4507G>A on transcript NM_000540.3 (MANE Select); coding-DNA position 4507, G replaced by A.
Protein change: p.Gly1503Arg; replaces glycine 1503 with arginine.
Molecular consequence: missense variant.
Genome position (GRCh38, 1-based): chr19:38,478,487, G>A. VCF-style: chr19-38478487-G-A. GRCh37 (hg19) VCF-style: chr19-38969127-G-A.
Other names: c.4507G>A, p.Gly1503Arg (NM_001042723.2); c.4507G>A (NM_000540.2); short protein forms G1503R.
Identifiers: ClinVar variation 1581712 (VCV001581712.9), dbSNP rs144747878, ClinGen allele CA066164.

ClinVar aggregate classification (germline): Conflicting classifications of pathogenicity. Review status: criteria provided, conflicting classifications (1 of 4 stars). 3 submissions from 3 submitters: Uncertain significance (1); Likely benign (2). Last evaluated 2026-01-19.

Conditions:
RYR1-related disorder. Also called: RYR1-related condition; RYR1-related disorders. Identifiers: MedGen CN239331.
Malignant hyperthermia, susceptibility to, 1 (MHS1). Also called: Malignant hyperthermia suceptibility 1; Anesthesia related hyperthermia; Malignant hyperpyrexia; Fulminating hyperpyrexia; Pharmacogenic myopathy; RYR1-Related Malignant Hyperthermia Susceptibility. Identifiers: Orphanet 423, MedGen C2930980, MONDO:0007783, OMIM 145600.

Allele frequency attached by ClinVar (database versions not stated): gnomAD 0.00002; TOPMed 0.00002; ESP Exome Variant Server 0.00008.
gnomAD v4.1: 42 of 1,613,974 alleles (0.0026%); highest among the groups gnomAD compares: South Asian, 0.0044%; 1 homozygote.

Submissions (3):

Labcorp Genetics (formerly Invitae), Labcorp
Classification: Likely benign for RYR1-related disorder. Last evaluated: 2026-01-19. Review status: criteria provided, single submitter. Criteria: Invitae Variant Classification Sherloc (09022015). Collection method: clinical testing. Allele origin: germline.

Color Diagnostics, LLC DBA Color Health
Classification: Likely benign for Malignant hyperthermia, susceptibility to, 1. Last evaluated: 2025-06-09. Review status: criteria provided, single submitter. Criteria: ACMG Guidelines, 2015. Collection method: clinical testing. Allele origin: germline.

GeneDx
Classification: Uncertain significance. Last evaluated: 2025-02-06. Review status: criteria provided, single submitter. Criteria: GeneDx Variant Classification Process June 2021. Collection method: clinical testing. Allele origin: germline. Affected: yes.
Comment: In silico analysis supports that this missense variant has a deleterious effect on protein structure/function; Has not been previously published as pathogenic or benign to our knowledge